The following is an entry in ClinVar:

ClinVar aggregate classification (germline): Pathogenic (1 of 4 stars; one submission).

Conditions:
Hyperphosphatasia with impaired intellectual development syndrome 2. Also called: Hyperphosphatasia with intellectual disability syndrome 2; GLYCOSYLPHOSPHATIDYLINOSITOL BIOSYNTHESIS DEFECT 6. Identifiers: Orphanet 247262, MedGen C3553637, MONDO:0013882, OMIM 614749.

Allele frequency attached by ClinVar (database versions not stated): gnomAD exomes 0.00001; ExAC 0.00001; gnomAD 0.00001.

Submission:

Labcorp Genetics (formerly Invitae), Labcorp
Classification: Pathogenic for Hyperphosphatasia with impaired intellectual development syndrome 2. Last evaluated: 2025-05-12. Review status: criteria provided, single submitter. Criteria: Invitae Variant Classification Sherloc (09022015). Collection method: clinical testing. Allele origin: germline.
Comment: This sequence change creates a premature translational stop signal (p.Val258Glyfs*16) in the PIGO gene. It is expected to result in an absent or disrupted protein product. Loss-of-function variants in PIGO are known to be pathogenic (PMID: 22683086, 24417746). This variant is present in population databases (rs765723177, gnomAD 0.002%). This variant has not been reported in the literature in individuals affected with PIGO-related conditions. ClinVar contains an entry for this variant (Variation ID: 1070693). For these reasons, this variant has been classified as Pathogenic.

Literature cited by the submitters: PubMed 22683086; PubMed 24417746.

NM_032634.4(PIGO):c.773del (p.Val258fs)

Gene: PIGO (phosphatidylinositol glycan anchor biosynthesis class O; minus strand). Cytogenetic location: 9p13.3.
Variant type: Deletion.
Coding change: c.773del on transcript NM_032634.4 (MANE Select); coding-DNA position 773, one base deleted (T; older notation c.773delT).
Protein change: p.Val258fs; shifts the reading frame from valine 258.
Molecular consequence: frameshift variant.
Genome position (GRCh38, 1-based): chr9:35,093,907, A deleted on the plus strand (T on the coding strand, the reverse complement: PIGO is on the minus strand). VCF-style (leftmost placement, unchanged base first): chr9-35093906-CA-C. GRCh37 (hg19) VCF-style: chr9-35093903-CA-C.
Other names: c.773del, p.Val258fs (NM_001201484.2, NM_152850.4); short protein forms V258fs.
Identifiers: ClinVar variation 1070693 (VCV001070693.7), dbSNP rs765723177, ClinGen allele CA5040850.